The following is an entry in ClinVar:

NM_000550.3(TYRP1):c.650G>A (p.Gly217Glu)

Gene: TYRP1 (tyrosinase related protein 1; plus strand). Cytogenetic location: 9p23.
Variant type: single nucleotide variant.
Coding change: c.650G>A on transcript NM_000550.3 (MANE Select); coding-DNA position 650, G replaced by A.
Protein change: p.Gly217Glu; replaces glycine 217 with glutamic acid.
Molecular consequence: missense variant.
Genome position (GRCh38, 1-based): chr9:12,695,779, G>A. VCF-style: chr9-12695779-G-A. GRCh37 (hg19) VCF-style: chr9-12695779-G-A.
Other names: short protein forms G217E.
Identifiers: ClinVar variation 1490884 (VCV001490884.8), dbSNP rs1444493442, ClinGen allele CA372937972.
Genomic context (GRCh38, chr9:12,695,779, plus strand): 5'-AAAAGACTTTCCTTGGGGTAGGACAGGAAAGCTTTGGTGAAGTGGATTTCTCTCATGAGG[G>A]ACCAGCTTTTCTCACATGGCACAGGTACCACCTCCTGCGTCTGGAGAAAGACATGCAGGT-3'
Protein context (NP_000541.1, residues 207-227): SFGEVDFSHE[Gly217Glu]PAFLTWHRYH

ClinVar aggregate classification (germline): Uncertain significance (1 of 4 stars; one submission).

Allele frequency attached by ClinVar (database versions not stated): gnomAD exomes below 0.00001; gnomAD 0.00002.
gnomAD v4.1: 4 of 1,613,966 alleles (0.00025%); highest among the groups gnomAD compares: African/African-American, 0.0053%; no homozygotes.

Submission:

Labcorp Genetics (formerly Invitae), Labcorp
Classification: Uncertain significance. Last evaluated: 2024-11-18. Review status: criteria provided, single submitter. Criteria: Invitae Variant Classification Sherloc (09022015). Collection method: clinical testing. Allele origin: germline.
Comment: This sequence change replaces glycine, which is neutral and non-polar, with glutamic acid, which is acidic and polar, at codon 217 of the TYRP1 protein (p.Gly217Glu). This variant is present in population databases (no rsID available, gnomAD 0.02%). This variant has not been reported in the literature in individuals affected with TYRP1-related conditions. ClinVar contains an entry for this variant (Variation ID: 1490884). Invitae Evidence Modeling of protein sequence and biophysical properties (such as structural, functional, and spatial information, amino acid conservation, physicochemical variation, residue mobility, and thermodynamic stability) indicates that this missense variant is expected to disrupt TYRP1 protein function with a positive predictive value of 80%. In summary, the available evidence is currently insufficient to determine the role of this variant in disease. Therefore, it has been classified as a Variant of Uncertain Significance.